The following is an entry in ClinVar:

ClinVar aggregate classification (germline): Uncertain significance (1 of 4 stars; one submission).

Conditions:
Inborn genetic diseases. Identifiers: MedGen C0950123, MeSH D030342.

Submission:

Ambry Genetics
Classification: Uncertain significance for Inborn genetic diseases. Last evaluated: 2025-10-02. Review status: criteria provided, single submitter. Criteria: Ambry Variant Classification Scheme 2023. Collection method: clinical testing. Allele origin: germline.
Comment: The p.S1949C variant (also known as c.5846C>G), located in coding exon 22 of the FANCM gene, results from a C to G substitution at nucleotide position 5846. The serine at codon 1949 is replaced by cysteine, an amino acid with dissimilar properties. This amino acid position is conserved. In addition, this alteration is predicted to be tolerated by in silico analysis. Based on the available evidence, the clinical significance of this variant remains unclear.

NM_020937.4(FANCM):c.5846C>G (p.Ser1949Cys)

Gene: FANCM (FA complementation group M; plus strand). Cytogenetic location: 14q21.2.
Variant type: single nucleotide variant.
Coding change: c.5846C>G on transcript NM_020937.4 (MANE Select); coding-DNA position 5846, C replaced by G.
Protein change: p.Ser1949Cys; replaces serine 1949 with cysteine.
Molecular consequence: missense variant.
Genome position (GRCh38, 1-based): chr14:45,198,773, C>G. VCF-style: chr14-45198773-C-G. GRCh37 (hg19) VCF-style: chr14-45667976-C-G.
Other names: c.5768C>G, p.Ser1923Cys (NM_001308133.2); short protein forms S1923C, S1949C.
Identifiers: ClinVar variation 4619462 (VCV004619462.1).